The following is an entry in ClinVar:

NM_000804.4(FOLR3):c.309C>T (p.Asp103=)

Gene: FOLR3 (folate receptor gamma; plus strand). Cytogenetic location: 11q13.4.
Variant type: single nucleotide variant.
Coding change: c.309C>T on transcript NM_000804.4 (MANE Select); coding-DNA position 309, C replaced by T.
Protein change: p.Asp103=; no amino-acid change (aspartic acid 103 retained).
Molecular consequence: synonymous variant. On other transcripts: missense variant (1), non-coding transcript variant (1).
Genome position (GRCh38, 1-based): chr11:72,139,101, C>T. VCF-style: chr11-72139101-C-T. GRCh37 (hg19) VCF-style: chr11-71850147-C-T.
Other names: c.36C>T, p.Asp12= (NM_001318045.2); c.437C>T, p.Thr146Ile (NM_001412270.1); short protein forms T146I.
Identifiers: ClinVar variation 3054790 (VCV003054790.2), dbSNP rs564543390, ClinGen allele CA6168913.

ClinVar aggregate classification (germline): Likely benign (0 of 4 stars; one submission).

Conditions:
FOLR3-related disorder. Also called: FOLR3-related condition.

Allele frequency attached by ClinVar (database versions not stated): TOPMed 0.00002; gnomAD exomes 0.00010; gnomAD 0.00012; ExAC 0.00014; 1000 Genomes Project 0.00020.
gnomAD v4.1: 150 of 1,496,652 alleles (0.01%); highest among the groups gnomAD compares: Non-Finnish European, 0.012%; no homozygotes.

Submission:

PreventionGenetics, part of Exact Sciences
Classification: Likely benign for FOLR3-related condition. Last evaluated: 2020-08-23. Review status: no assertion criteria provided. Collection method: clinical testing. Allele origin: germline.
Comment: This variant is classified as likely benign based on ACMG/AMP sequence variant interpretation guidelines (Richards et al. 2015 PMID: 25741868, with internal and published modifications).